The following is an entry in ClinVar:

ClinVar aggregate classification (germline): Likely benign. Review status: criteria provided, multiple submitters, no conflicts (2 of 4 stars). 3 submissions from 3 submitters: Likely benign (3). Last evaluated 2025-10-09.

Conditions:
Bethlem myopathy 2 (BTHLM2). Identifiers: Orphanet 536516, Orphanet 610, MedGen C4225313, MONDO:0034022, OMIM 616471.
Ullrich congenital muscular dystrophy 2 (UCMD2). Identifiers: Orphanet 75840, MedGen C4225314, MONDO:0014654, OMIM 616470.

gnomAD v4.1: 2 of 1,613,826 alleles (0.00012%); highest among the groups gnomAD compares: Admixed American, 0.0017%; no homozygotes.

Submissions (3):

Labcorp Genetics (formerly Invitae), Labcorp
Classification: Likely benign for Bethlem myopathy 2; Ullrich congenital muscular dystrophy 2. Last evaluated: 2025-10-09. Review status: criteria provided, single submitter. Criteria: Invitae Variant Classification Sherloc (09022015). Collection method: clinical testing. Allele origin: germline.

Mayo Clinic Laboratories, Mayo Clinic
Classification: Likely benign. Last evaluated: 2025-03-10. Review status: criteria provided, single submitter. Criteria: ACMG Guidelines, 2015. Collection method: clinical testing. Allele origin: germline. Observed: 1 variant allele.
Comment: BP4, BP7

Blueprint Genetics
Classification: Likely benign. Last evaluated: 2024-05-10. Review status: criteria provided, single submitter. Criteria: ACMG Guidelines, 2015. Collection method: clinical testing. Allele origin: germline.

NM_004370.6(COL12A1):c.8151A>G (p.Arg2717=)

Gene: COL12A1 (collagen type XII alpha 1 chain; minus strand). Cytogenetic location: 6q13.
Variant type: single nucleotide variant.
Coding change: c.8151A>G on transcript NM_004370.6 (MANE Select); coding-DNA position 8151, A replaced by G.
Protein change: p.Arg2717=; no amino-acid change (arginine 2717 retained).
Molecular consequence: synonymous variant.
Genome position (GRCh38, 1-based): chr6:75,106,446, T>C on the plus strand (A>G on the coding strand, the complement: COL12A1 is on the minus strand). VCF-style: chr6-75106446-T-C. GRCh37 (hg19) VCF-style: chr6-75816162-T-C.
Other names: p.Arg2717=; c.8151A>G, p.Arg2717= (NM_001424113.1); c.8130A>G, p.Arg2710= (NM_001424114.1); c.7878A>G, p.Arg2626= (NM_001424115.1); c.4659A>G, p.Arg1553= (NM_001424116.1, NM_080645.3).
Identifiers: ClinVar variation 4683206 (VCV004683206.3).